The following is an entry in ClinVar:

ClinVar aggregate classification (germline): Uncertain significance. Review status: criteria provided, multiple submitters, no conflicts (2 of 4 stars). 2 submissions from 2 submitters: Uncertain significance (2). Last evaluated 2025-09-23.

Conditions:
Mucopolysaccharidosis, MPS-II (MPS2). Also called: IDS deficiency; Sulfoiduronate sulfatase deficiency; SIDS deficiency; Mucopolysaccharidosis with skin involvement; IDURONATE 2-SULFATASE DEFICIENCY; Mucopolysaccharidosis Type II. Identifiers: Orphanet 580, Orphanet 79388, MedGen C0026705, MONDO:0010674, OMIM 309900.

Submissions (2):

Labcorp Genetics (formerly Invitae), Labcorp
Classification: Uncertain significance for Mucopolysaccharidosis, MPS-II. Last evaluated: 2025-09-23. Review status: criteria provided, single submitter. Criteria: Invitae Variant Classification Sherloc (09022015). Collection method: clinical testing. Allele origin: germline.
Comment: This sequence change replaces glutamine, which is neutral and polar, with arginine, which is basic and polar, at codon 293 of the IDS protein (p.Gln293Arg). This variant is not present in population databases (gnomAD no frequency). This variant has not been reported in the literature in individuals affected with IDS-related conditions. ClinVar contains an entry for this variant (Variation ID: 964200). An algorithm developed to predict the effect of missense changes on protein structure and function (PolyPhen-2) suggests that this variant is likely to be tolerated. Algorithms developed to predict the effect of sequence changes on RNA splicing suggest that this variant may disrupt the consensus splice site. In summary, the available evidence is currently insufficient to determine the role of this variant in disease. Therefore, it has been classified as a Variant of Uncertain Significance.

Revvity Omics, Revvity
Classification: Uncertain significance for Mucopolysaccharidosis, MPS-II. Last evaluated: 2025-06-04. Review status: criteria provided, single submitter. Criteria: ACMG Guidelines, 2015. Collection method: clinical testing. Allele origin: germline.

NM_000202.8(IDS):c.878A>G (p.Gln293Arg)

Genes: IDS (iduronate 2-sulfatase; minus strand), LOC106050102 (IDS recombination region; plus strand). Cytogenetic location: Xq28.
Variant type: single nucleotide variant.
Coding change: c.878A>G on transcript NM_000202.8 (MANE Select); coding-DNA position 878, A replaced by G.
Protein change: p.Gln293Arg; replaces glutamine 293 with arginine.
Molecular consequence: missense variant. On other transcripts: non-coding transcript variant (1).
Genome position (GRCh38, 1-based): chrX:149,496,347, T>C on the plus strand (A>G on the coding strand, the complement: IDS is on the minus strand). VCF-style: chrX-149496347-T-C. GRCh37 (hg19) VCF-style: chrX-148577878-T-C.
Other names: c.608A>G, p.Gln203Arg (NM_001166550.4); c.878A>G, p.Gln293Arg (NM_006123.5); short protein forms Q293R, Q203R.
Identifiers: ClinVar variation 964200 (VCV000964200.10), dbSNP rs2089435877, ClinGen allele CA414521717.